The following is an entry in ClinVar:

ClinVar aggregate classification (germline): Likely benign (1 of 4 stars; one submission).

Allele frequency attached by ClinVar (database versions not stated): gnomAD 0.03027 and 0.03344; TOPMed 0.03154; 1000 Genomes Project 30x 0.04700; 1000 Genomes Project 0.04712.
gnomAD v4.1: 5,062 of 152,198 alleles (3.3%); highest among the groups gnomAD compares: South Asian, 13%; 134 homozygotes.

Submission:

GeneDx
Classification: Likely benign. Last evaluated: 2018-06-14. Review status: criteria provided, single submitter. Criteria: GeneDx Variant Classification (06012015). Collection method: clinical testing. Allele origin: germline. Affected: yes.
Comment: This variant is considered likely benign or benign based on one or more of the following criteria: it is a conservative change, it occurs at a poorly conserved position in the protein, it is predicted to be benign by multiple in silico algorithms, and/or has population frequency not consistent with disease.

NM_032119.4(ADGRV1):c.10162-272G>A

Gene: ADGRV1 (adhesion G protein-coupled receptor V1; plus strand). Cytogenetic location: 5q14.3.
Variant type: single nucleotide variant.
Coding change: c.10162-272G>A on transcript NM_032119.4 (MANE Select); 272 bases into the intron before coding-DNA position 10162, G replaced by A.
Molecular consequence: intron variant.
Genome position (GRCh38, 1-based): chr5:90,728,397, G>A. VCF-style: chr5-90728397-G-A. GRCh37 (hg19) VCF-style: chr5-90024214-G-A.
Identifiers: ClinVar variation 672428 (VCV000672428.1), dbSNP rs73772476, ClinGen allele CA16234108.